The following is an entry in ClinVar:

NM_012330.4(KAT6B):c.1189A>C (p.Ser397Arg)

Gene: KAT6B (lysine acetyltransferase 6B; plus strand). Cytogenetic location: 10q22.2.
Variant type: single nucleotide variant.
Coding change: c.1189A>C on transcript NM_012330.4 (MANE Select); coding-DNA position 1189, A replaced by C.
Protein change: p.Ser397Arg; replaces serine 397 with arginine.
Molecular consequence: missense variant. On other transcripts: intron variant (11).
Genome position (GRCh38, 1-based): chr10:74,975,526, A>C. VCF-style: chr10-74975526-A-C. GRCh37 (hg19) VCF-style: chr10-76735284-A-C.
Other names: c.1189A>C, p.Ser397Arg (NM_001256468.2, NM_001370136.1, NM_001370137.1 and 1 more transcripts); c.1117+72A>C (NM_001370139.1, NM_001370140.1, NM_001370141.1 and 3 more transcripts); c.846+5751A>C (NM_001370133.1); c.193-3698A>C (NM_001370134.1); c.929-1790A>C (NM_001370143.1, NM_001370144.1); c.193-13493A>C (NM_001370135.1); short protein forms S397R.
Identifiers: ClinVar variation 1499819 (VCV001499819.7), dbSNP rs1842093971, ClinGen allele CA377285248.

ClinVar aggregate classification (germline): Uncertain significance. Review status: criteria provided, multiple submitters, no conflicts (2 of 4 stars). 2 submissions from 2 submitters: Uncertain significance (2). Last evaluated 2022-03-24.

Conditions:
Genitopatellar syndrome (GTPTS). Also called: Genitopatellar syndrome (GPS); ABSENT PATELLAE, SCROTAL HYPOPLASIA, RENAL ANOMALIES, FACIAL DYSMORPHISM, AND MENTAL RETARDATION. Identifiers: Orphanet 85201, MedGen C1853566, MONDO:0011640, OMIM 606170.
Blepharophimosis - intellectual disability syndrome, SBBYS type (SBBYSS). Also called: Mental retardation unusual facies hypothyroidism; Say-Barber-Biesecker-Young-Simpson variant of Ohdo Syndrome; Say-Barber-Biesecker Variant of Ohdo Syndrome; Say-Barber-Biesecker variant of Ohdo syndrome (SBBYSS); Young Simpson syndrome; Ohdo syndrome, SBBYS variant. Identifiers: Orphanet 3047, MedGen C1863557, MONDO:0011365, OMIM 603736.

Allele frequency attached by ClinVar (database versions not stated): gnomAD exomes below 0.00001; gnomAD 0.00001.
gnomAD v4.1: 2 of 1,614,018 alleles (0.00012%); highest among the groups gnomAD compares: African/African-American, 0.0027%; no homozygotes.

Submissions (2):

Fulgent Genetics
Classification: Uncertain significance for Blepharophimosis - intellectual disability syndrome, SBBYS type; Genitopatellar syndrome. Last evaluated: 2022-03-24. Review status: criteria provided, single submitter. Criteria: ACMG Guidelines, 2015. Collection method: clinical testing. Allele origin: unknown.

Labcorp Genetics (formerly Invitae), Labcorp
Classification: Uncertain significance for Genitopatellar syndrome. Last evaluated: 2021-10-22. Review status: criteria provided, single submitter. Criteria: Invitae Variant Classification Sherloc (09022015). Collection method: clinical testing. Allele origin: germline.
Comment: This variant is not present in population databases (ExAC no frequency). This variant has not been reported in the literature in individuals affected with KAT6B-related conditions. This sequence change replaces serine with arginine at codon 397 of the KAT6B protein (p.Ser397Arg). The serine residue is moderately conserved and there is a moderate physicochemical difference between serine and arginine. Algorithms developed to predict the effect of missense changes on protein structure and function are either unavailable or do not agree on the potential impact of this missense change (SIFT: "Deleterious"; PolyPhen-2: "Probably Damaging"; Align-GVGD: "Class C0"). In summary, the available evidence is currently insufficient to determine the role of this variant in disease. Therefore, it has been classified as a Variant of Uncertain Significance.